The following is an entry in ClinVar:

ClinVar aggregate classification (germline): Likely benign. Review status: criteria provided, multiple submitters, no conflicts (2 of 4 stars). 2 submissions from 2 submitters: Likely benign (2). Last evaluated 2024-10-21.

Allele frequency attached by ClinVar (database versions not stated): gnomAD 0.00001; TOPMed 0.00001; gnomAD exomes 0.00002; ExAC 0.00003.
gnomAD v4.1: 32 of 1,613,364 alleles (0.002%); highest among the groups gnomAD compares: East Asian, 0.018%; no homozygotes.

Submissions (2):

Labcorp Genetics (formerly Invitae), Labcorp
Classification: Likely benign. Last evaluated: 2024-10-21. Review status: criteria provided, single submitter. Criteria: Invitae Variant Classification Sherloc (09022015). Collection method: clinical testing. Allele origin: germline.

CeGaT Center for Human Genetics Tuebingen
Classification: Likely benign. Last evaluated: 2024-07-01. Review status: criteria provided, single submitter. Criteria: CeGaT Center For Human Genetics Tuebingen Variant Classification Criteria Version 2. Collection method: clinical testing. Allele origin: germline. Affected: yes. Observed: 1 variant allele.
Comment: GNB1: BP4, BP7

NM_002074.5(GNB1):c.957C>T (p.Gly319=)

Gene: GNB1 (G protein subunit beta 1; minus strand). Cytogenetic location: 1p36.33.
Variant type: single nucleotide variant.
Coding change: c.957C>T on transcript NM_002074.5 (MANE Select); coding-DNA position 957, C replaced by T.
Protein change: p.Gly319=; no amino-acid change (glycine 319 retained).
Molecular consequence: synonymous variant.
Genome position (GRCh38, 1-based): chr1:1,787,397, G>A on the plus strand (C>T on the coding strand, the complement: GNB1 is on the minus strand). VCF-style: chr1-1787397-G-A. GRCh37 (hg19) VCF-style: chr1-1718836-G-A.
Other names: c.657C>T, p.Gly219= (NM_001282538.2); c.957C>T, p.Gly319= (NM_001282539.2).
Identifiers: ClinVar variation 2155798 (VCV002155798.21), dbSNP rs779312189, ClinGen allele CA531895.